The following is an entry in ClinVar:

NM_001111125.3(IQSEC2):c.952G>T (p.Ala318Ser)

Gene: IQSEC2 (IQ motif and Sec7 domain ArfGEF 2; minus strand). Cytogenetic location: Xp11.22.
Variant type: single nucleotide variant.
Coding change: c.952G>T on transcript NM_001111125.3 (MANE Select); coding-DNA position 952, G replaced by T.
Protein change: p.Ala318Ser; replaces alanine 318 with serine.
Molecular consequence: missense variant.
Genome position (GRCh38, 1-based): chrX:53,255,847, C>A on the plus strand (G>T on the coding strand, the complement: IQSEC2 is on the minus strand). VCF-style: chrX-53255847-C-A. GRCh37 (hg19) VCF-style: chrX-53285029-C-A.
Other names: c.952G>T, p.Ala318Ser (NM_001410736.1); c.337G>T, p.Ala113Ser (NM_015075.2); short protein forms A113S, A318S.
Identifiers: ClinVar variation 2136200 (VCV002136200.1), dbSNP rs781897904, ClinGen allele CA413171228.
Genomic context (GRCh38, chrX:53,255,847, plus strand): 5'-GCCTCTGTTGCACCTTCTTGTCCTGCAGGTCTGTGGAGAGTTCATAGCTGTCCGATAGGG[C>A]CTTGGAGCGCTTTATCTCCTCCTCCTCCTGCTTCCTCAGGGCGACACTGGCTGGCTGGAG-3'
Protein context (NP_001104595.1, residues 308-328): QEEEEIKRSK[Ala318Ser]LSDSYELSTD

ClinVar aggregate classification (germline): Uncertain significance (1 of 4 stars; one submission).

Submission:

GeneDx
Classification: Uncertain significance. Last evaluated: 2022-07-18. Review status: criteria provided, single submitter. Criteria: GeneDx Variant Classification Process June 2021. Collection method: clinical testing. Allele origin: germline. Affected: yes.
Comment: Not observed at significant frequency in large population cohorts (gnomAD); In silico analysis supports that this missense variant does not alter protein structure/function; Has not been previously published as pathogenic or benign to our knowledge